The following is an entry in ClinVar:

ClinVar aggregate classification (germline): Uncertain significance. Review status: criteria provided, multiple submitters, no conflicts (2 of 4 stars). 3 submissions from 3 submitters: Uncertain significance (3). Last evaluated 2025-08-21.

Conditions:
Myofibrillar myopathy 5. Also called: Filaminopathy (type); FILAMINOPATHY, AUTOSOMAL DOMINANT. Identifiers: Orphanet 171445, MedGen C1836050, MONDO:0012289, OMIM 609524.
Distal myopathy with posterior leg and anterior hand involvement. Also called: WILLIAMS DISTAL MYOPATHY. Identifiers: Orphanet 63273, MedGen C3279722, MONDO:0013550, OMIM 614065.
Hypertrophic cardiomyopathy 26. Also called: Cardiomyopathy, familial hypertrophic, 26. Identifiers: Orphanet 75249, MedGen C4310749, MONDO:0014883, OMIM 617047.
Cardiovascular phenotype. Identifiers: MedGen CN230736.

Allele frequency attached by ClinVar (database versions not stated): gnomAD exomes below 0.00001; TOPMed below 0.00001.
gnomAD v4.1: 1 of 1,613,130 alleles (0.000062%); no homozygotes.

Submissions (3):

Labcorp Genetics (formerly Invitae), Labcorp
Classification: Uncertain significance for Distal myopathy with posterior leg and anterior hand involvement; Myofibrillar myopathy 5; Hypertrophic cardiomyopathy 26. Last evaluated: 2025-08-21. Review status: criteria provided, single submitter. Criteria: Invitae Variant Classification Sherloc (09022015). Collection method: clinical testing. Allele origin: germline.
Comment: This sequence change replaces alanine, which is neutral and non-polar, with threonine, which is neutral and polar, at codon 199 of the FLNC protein (p.Ala199Thr). This variant is present in population databases (no rsID available, gnomAD 0.01%). This variant has not been reported in the literature in individuals affected with FLNC-related conditions. ClinVar contains an entry for this variant (Variation ID: 565380). Invitae Evidence Modeling of protein sequence and biophysical properties (such as structural, functional, and spatial information, amino acid conservation, physicochemical variation, residue mobility, and thermodynamic stability) has been performed for this missense variant. However, the output from this modeling did not meet the statistical confidence thresholds required to predict the impact of this variant on FLNC protein function. In summary, the available evidence is currently insufficient to determine the role of this variant in disease. Therefore, it has been classified as a Variant of Uncertain Significance.

Ambry Genetics
Classification: Uncertain significance for Cardiovascular phenotype. Last evaluated: 2024-10-07. Review status: criteria provided, single submitter. Criteria: Ambry Variant Classification Scheme 2023. Collection method: clinical testing. Allele origin: germline.
Comment: The p.A199T variant (also known as c.595G>A), located in coding exon 2 of the FLNC gene, results from a G to A substitution at nucleotide position 595. The alanine at codon 199 is replaced by threonine, an amino acid with similar properties. This amino acid position is conserved. In addition, this alteration is predicted to be deleterious by in silico analysis. Based on the available evidence, the clinical significance of this variant remains unclear.

GeneDx
Classification: Uncertain significance. Last evaluated: 2019-12-09. Review status: criteria provided, single submitter. Criteria: GeneDx Variant Classification Process June 2021. Collection method: clinical testing. Allele origin: germline. Affected: yes.
Comment: Has not been previously published as pathogenic or benign to our knowledge; Reported in ClinVar as a variant of uncertain significance by another clinical laboratory (ClinVar Variant ID# 565380; Landrum et al., 2016); Not observed at a significant frequency in large population cohorts (Lek et al., 2016); In silico analysis, which includes protein predictors and evolutionary conservation, supports a deleterious effect

NM_001458.5(FLNC):c.595G>A (p.Ala199Thr)

Gene: FLNC (filamin C; plus strand). Cytogenetic location: 7q32.1.
Variant type: single nucleotide variant.
Coding change: c.595G>A on transcript NM_001458.5 (MANE Select); coding-DNA position 595, G replaced by A.
Protein change: p.Ala199Thr; replaces alanine 199 with threonine.
Molecular consequence: missense variant.
Genome position (GRCh38, 1-based): chr7:128,835,568, G>A. VCF-style: chr7-128835568-G-A. GRCh37 (hg19) VCF-style: chr7-128475622-G-A.
Other names: c.595G>A, p.Ala199Thr (NM_001127487.2); short protein forms A199T.
Identifiers: ClinVar variation 565380 (VCV000565380.13), dbSNP rs1410315376, ClinGen allele CA369219835.